The following is an entry in ClinVar:

ClinVar aggregate classification (germline): Uncertain significance (1 of 4 stars; one submission).

Conditions:
Charcot-Marie-Tooth disease type 2R. Also called: CHARCOT-MARIE-TOOTH NEUROPATHY, TYPE 2R; Charcot-Marie-Tooth disease, axonal, type 2R; CHARCOT-MARIE-TOOTH DISEASE, AXONAL, AUTOSOMAL RECESSIVE, TYPE 2R. Identifiers: Orphanet 397968, MedGen C3809655, MONDO:0014208, OMIM 615490.

Submission:

Labcorp Genetics (formerly Invitae), Labcorp
Classification: Uncertain significance for Charcot-Marie-Tooth disease type 2R. Last evaluated: 2023-01-07. Review status: criteria provided, single submitter. Criteria: Invitae Variant Classification Sherloc (09022015). Collection method: clinical testing. Allele origin: germline.
Comment: In summary, the available evidence is currently insufficient to determine the role of this variant in disease. Therefore, it has been classified as a Variant of Uncertain Significance. Algorithms developed to predict the effect of missense changes on protein structure and function are either unavailable or do not agree on the potential impact of this missense change (SIFT: "Deleterious"; PolyPhen-2: "Possibly Damaging"; Align-GVGD: "Class C15"). ClinVar contains an entry for this variant (Variation ID: 642874). This variant has not been reported in the literature in individuals affected with TRIM2-related conditions. This variant is not present in population databases (gnomAD no frequency). This sequence change replaces valine, which is neutral and non-polar, with methionine, which is neutral and non-polar, at codon 157 of the TRIM2 protein (p.Val157Met).

NM_015271.5(TRIM2):c.550G>A (p.Val184Met)

Gene: TRIM2 (tripartite motif containing 2; plus strand). Cytogenetic location: 4q31.3.
Variant type: single nucleotide variant.
Coding change: c.550G>A on transcript NM_015271.5 (MANE Select); coding-DNA position 550, G replaced by A.
Protein change: p.Val184Met; replaces valine 184 with methionine.
Molecular consequence: missense variant.
Genome position (GRCh38, 1-based): chr4:153,293,078, G>A. VCF-style: chr4-153293078-G-A. GRCh37 (hg19) VCF-style: chr4-154214230-G-A.
Other names: c.469G>A, p.Val157Met (NM_001130067.2, NM_001351056.2); c.523G>A, p.Val175Met (NM_001351054.2); c.520G>A, p.Val174Met (NM_001351055.2); c.94G>A, p.Val32Met (NM_001351057.2); short protein forms V174M, V175M, V184M, V157M, V32M.
Identifiers: ClinVar variation 642874 (VCV000642874.8), dbSNP rs1579408437, ClinGen allele CA358471365.
Genomic context (GRCh38, chr4:153,293,078, plus strand): 5'-ATGTGTCGGGAGTGCACGGAGGGGGAGCACGCAGAGCACCCCACAGTTCCACTCAAGGAT[G>A]TGGTGGAACAGCACAAGGCCTCGCTCCAGGTCCAGCTGGATGCTGTCAACAAAAGGTGGG-3'
Protein context (NP_056086.2, residues 174-194): AEHPTVPLKD[Val184Met]VEQHKASLQV